The following is an entry in ClinVar:

NM_005198.5(CHKB):c.-19G>T

Genes: CHKB (choline kinase beta; minus strand), CHKB-CPT1B (CHKB-CPT1B readthrough (NMD candidate); minus strand). Cytogenetic location: 22q13.33.
Variant type: single nucleotide variant.
Coding change: c.-19G>T on transcript NM_005198.5 (MANE Select); 19 bases upstream of the start codon, G replaced by T.
Molecular consequence: 5 prime UTR variant. On other transcripts: non-coding transcript variant (1).
Genome position (GRCh38, 1-based): chr22:50,582,800, C>A on the plus strand (G>T on the coding strand, the complement: CHKB is on the minus strand). VCF-style: chr22-50582800-C-A. GRCh37 (hg19) VCF-style: chr22-51021229-C-A.
Identifiers: ClinVar variation 342178 (VCV000342178.5), dbSNP rs373596637, ClinGen allele CA10323943.
Genomic context (GRCh38, chr22:50,582,800, plus strand): 5'-AACAGCCCCGCTTCCGGCCACAGCTGTCGCCTCGGCCGCCATGGCGCGGGCTCGACCGGG[C>A]CCCAGGCCAGGCTGCGCTCCGCTCCCTTCGGACGGGCTCGGTTCCTTCCGGCCGCGCTCG-3'

ClinVar aggregate classification (germline): Benign. Review status: criteria provided, multiple submitters, no conflicts (2 of 4 stars). 2 submissions from 2 submitters: Benign (2). Last evaluated 2018-01-13.

Conditions:
Megaconial type congenital muscular dystrophy (MDCMC). Also called: MUSCULAR DYSTROPHY, CONGENITAL, WITH MITOCHONDRIAL STRUCTURAL ABNORMALITIES; CHKB-Related Muscle Diseases; CHKB-Related Muscular Dystrophy. Identifiers: Orphanet 280671, MedGen C1865233, MONDO:0011246, OMIM 602541.

Allele frequency attached by ClinVar (database versions not stated): TOPMed 0.00045; 1000 Genomes Project 30x 0.00656; 1000 Genomes Project 0.00779; ExAC 0.01619.
gnomAD v4.1: 2,676 of 1,546,820 alleles (0.17%); highest among the groups gnomAD compares: South Asian, 2.5%; 64 homozygotes.

Submissions (2):

Illumina Laboratory Services, Illumina
Classification: Benign for Megaconial type congenital muscular dystrophy. Last evaluated: 2018-01-13. Review status: criteria provided, single submitter. Criteria: ICSL Variant Classification Criteria 13 December 2019. Collection method: clinical testing. Allele origin: germline.
Comment: This variant was observed in the ICSL laboratory as part of a predisposition screen in an ostensibly healthy population. It had not been previously curated by ICSL or reported in the Human Gene Mutation Database (HGMD: prior to June 1st, 2018), and was therefore a candidate for classification through an automated scoring system. Utilizing variant allele frequency, disease prevalence and penetrance estimates, and inheritance mode, an automated score was calculated to assess if this variant is too frequent to cause the disease. Based on the score and internal cut-off values, a variant classified as benign is not then subjected to further curation. The score for this variant resulted in a classification of benign for this disease.

GeneDx
Classification: Benign. Last evaluated: 2016-09-29. Review status: criteria provided, single submitter. Criteria: GeneDx Variant Classification (06012015). Collection method: clinical testing. Allele origin: germline. Affected: yes.
Comment: This variant is considered likely benign or benign based on one or more of the following criteria: it is a conservative change, it occurs at a poorly conserved position in the protein, it is predicted to be benign by multiple in silico algorithms, and/or has population frequency not consistent with disease.